The following is an entry in ClinVar:

ClinVar aggregate classification (germline): Uncertain significance (1 of 4 stars; one submission).

Conditions:
ZNRF3-related condition.

gnomAD v4.1: 1 of 1,603,970 alleles (0.000062%); highest among the groups gnomAD compares: South Asian, 0.0011%; no homozygotes.

Submission:

PreventionGenetics, part of Exact Sciences
Classification: Uncertain significance for ZNRF3-related condition. Last evaluated: 2025-11-26. Review status: criteria provided, single submitter. Criteria: ACMG Guidelines, 2015. Collection method: clinical testing. Allele origin: germline.
Comment: The ZNRF3 c.2194A>G variant is predicted to result in the amino acid substitution p.Thr732Ala. To our knowledge, this variant has not been reported in the literature. This variant is reported in 0.0033% of alleles in individuals of South Asian descent in gnomAD. At this time, the clinical significance of this variant is uncertain due to the absence of conclusive functional and genetic evidence.

NM_001206998.2(ZNRF3):c.2194A>G (p.Thr732Ala)

Gene: ZNRF3 (zinc and ring finger 3; plus strand). Cytogenetic location: 22q12.1.
Variant type: single nucleotide variant.
Coding change: c.2194A>G on transcript NM_001206998.2 (MANE Select); coding-DNA position 2194, A replaced by G.
Protein change: p.Thr732Ala; replaces threonine 732 with alanine.
Molecular consequence: missense variant.
Genome position (GRCh38, 1-based): chr22:29,050,375, A>G. VCF-style: chr22-29050375-A-G. GRCh37 (hg19) VCF-style: chr22-29446363-A-G.
Other names: c.1894A>G, p.Thr632Ala (NM_032173.4); short protein forms T632A, T732A.
Identifiers: ClinVar variation 4992957 (VCV004992957.1).